The following is an entry in ClinVar:

NM_014669.5(NUP93):c.1346-25TCTCC[4]

Gene: NUP93 (nucleoporin 93; plus strand). Cytogenetic location: 16q13.
Variant type: Microsatellite.
Coding change: c.1346-25TCTCC[4] on transcript NM_014669.5 (MANE Select); four copies in a row of the 5-base unit TCTCC starting at c.1346-25.
Molecular consequence: intron variant.
Genome position: GRCh38 VCF-style: chr16-56833189-A-ATCTCC. GRCh37 (hg19) VCF-style: chr16-56867101-A-ATCTCC.
Other names: c.977-25TCTCC[4] (NM_001242795.2, NM_001242796.2).
Identifiers: ClinVar variation 3030330 (VCV003030330.2), dbSNP rs749590224, ClinGen allele CA8068404.

ClinVar aggregate classification (germline): Likely benign (0 of 4 stars; one submission).

Conditions:
NUP93-related disorder. Also called: NUP93-related condition.

Submission:

PreventionGenetics, part of Exact Sciences
Classification: Likely benign for NUP93-related condition. Last evaluated: 2022-10-25. Review status: no assertion criteria provided. Collection method: clinical testing. Allele origin: germline.
Comment: This variant is classified as likely benign based on ACMG/AMP sequence variant interpretation guidelines (Richards et al. 2015 PMID: 25741868, with internal and published modifications).